The following is an entry in ClinVar:

ClinVar aggregate classification (germline): Uncertain significance (1 of 4 stars; one submission).

Submission:

Ambry Genetics
Classification: Uncertain significance. Last evaluated: 2022-01-21. Review status: criteria provided, single submitter. Criteria: Ambry Variant Classification Scheme 2023. Collection method: clinical testing. Allele origin: germline.
Comment: The p.C853S variant (also known as c.2558G>C), located in coding exon 4 of the ALPK2 gene, results from a G to C substitution at nucleotide position 2558. The cysteine at codon 853 is replaced by serine, an amino acid with dissimilar properties. This amino acid position is conserved. In addition, this alteration is predicted to be tolerated by in silico analysis. Since supporting evidence is limited at this time, the clinical significance of this alteration remains unclear.

NM_052947.4(ALPK2):c.2558G>C (p.Cys853Ser)

Gene: ALPK2 (alpha kinase 2; minus strand). Cytogenetic location: 18q21.31.
Variant type: single nucleotide variant.
Coding change: c.2558G>C on transcript NM_052947.4 (MANE Select); coding-DNA position 2558, G replaced by C.
Protein change: p.Cys853Ser; replaces cysteine 853 with serine.
Molecular consequence: missense variant.
Genome position (GRCh38, 1-based): chr18:58,537,629, C>G on the plus strand (G>C on the coding strand, the complement: ALPK2 is on the minus strand). VCF-style: chr18-58537629-C-G. GRCh37 (hg19) VCF-style: chr18-56204861-C-G.
Other names: short protein forms C853S.
Identifiers: ClinVar variation 1793038 (VCV001793038.2), dbSNP rs1201619022, ClinGen allele CA402570273.